The following is an entry in ClinVar:

ClinVar aggregate classification (germline): Likely pathogenic (1 of 4 stars; one submission).

Conditions:
Dilated cardiomyopathy 1KK (CMD1KK). Identifiers: Orphanet 154, Orphanet 75249, MedGen C3714995, MONDO:0014100, OMIM 615248.

Submission:

Labcorp Genetics (formerly Invitae), Labcorp
Classification: Likely pathogenic for Dilated cardiomyopathy 1KK. Last evaluated: 2023-02-03. Review status: criteria provided, single submitter. Criteria: Invitae Variant Classification Sherloc (09022015). Collection method: clinical testing. Allele origin: germline.
Comment: This sequence change affects an acceptor splice site in intron 18 of the MYPN gene. It is expected to disrupt RNA splicing. Variants that disrupt the donor or acceptor splice site typically lead to a loss of protein function (PMID: 16199547), and loss-of-function variants in MYPN are known to be pathogenic (PMID: 28017374). This variant is not present in population databases (gnomAD no frequency). This variant has not been reported in the literature in individuals affected with MYPN-related conditions. In summary, the currently available evidence indicates that the variant is pathogenic, but additional data are needed to prove that conclusively. Therefore, this variant has been classified as Likely Pathogenic. Algorithms developed to predict the effect of sequence changes on RNA splicing suggest that this variant may disrupt the consensus splice site.

Literature cited by the submitters: PubMed 16199547; PubMed 28017374.

NM_032578.4(MYPN):c.3660-1G>A

Gene: MYPN (myopalladin; plus strand). Cytogenetic location: 10q21.3.
Variant type: single nucleotide variant.
Coding change: c.3660-1G>A on transcript NM_032578.4 (MANE Select); the canonical splice acceptor site of the intron before coding-DNA position 3660, G replaced by A.
Molecular consequence: splice acceptor variant.
Genome position (GRCh38, 1-based): chr10:68,206,769, G>A. VCF-style: chr10-68206769-G-A. GRCh37 (hg19) VCF-style: chr10-69966526-G-A.
Other names: c.3660-1G>A (NM_001256267.2); c.2778-1G>A (NM_001256268.2).
Identifiers: ClinVar variation 3019886 (VCV003019886.3), dbSNP rs2496022258, ClinGen allele CA376828063.
Genomic context (GRCh38, chr10:68,206,769, plus strand): 5'-ATTTGACAAAGGCATTTCTGCCCCCCGATAAAATATAGGTATATTCTCTCTTTTTCTCCA[G>A]TATGCACCAGGACACAACAGGGTATGCCTGCCTTCTCATTCAGCCAGCCAAGAAATCAGA-3'